The following is an entry in ClinVar:

ClinVar aggregate classification (germline): Uncertain significance (1 of 4 stars; one submission).

gnomAD v4.1: 1 of 1,614,004 alleles (0.000062%); highest among the groups gnomAD compares: East Asian, 0.0022%; no homozygotes.

Submission:

Labcorp Genetics (formerly Invitae), Labcorp
Classification: Uncertain significance. Last evaluated: 2025-11-08. Review status: criteria provided, single submitter. Criteria: Invitae Variant Classification Sherloc (09022015). Collection method: clinical testing. Allele origin: germline.
Comment: This sequence change falls in intron 25 of the COL4A1 gene. It does not directly change the encoded amino acid sequence of the COL4A1 protein. It affects a nucleotide within the consensus splice site. This variant is not present in population databases (gnomAD no frequency). This variant has not been reported in the literature in individuals affected with COL4A1-related conditions. Variants that disrupt the consensus splice site are a relatively common cause of aberrant splicing (PMID: 17576681, 9536098). Algorithms developed to predict the effect of sequence changes on RNA splicing suggest that this variant is not likely to affect RNA splicing. In summary, the available evidence is currently insufficient to determine the role of this variant in disease. Therefore, it has been classified as a Variant of Uncertain Significance.

Literature cited by the submitters: PubMed 17576681; PubMed 9536098.

NM_001845.6(COL4A1):c.1728+4T>C

Gene: COL4A1 (collagen type IV alpha 1 chain; minus strand). Cytogenetic location: 13q34.
Variant type: single nucleotide variant.
Coding change: c.1728+4T>C on transcript NM_001845.6 (MANE Select); 4 bases into the intron after coding-DNA position 1728, T replaced by C.
Molecular consequence: intron variant.
Genome position (GRCh38, 1-based): chr13:110,187,134, A>G on the plus strand (T>C on the coding strand, the complement: COL4A1 is on the minus strand). VCF-style: chr13-110187134-A-G. GRCh37 (hg19) VCF-style: chr13-110839481-A-G.
Identifiers: ClinVar variation 4730424 (VCV004730424.1).
Genomic context (GRCh38, chr13:110,187,134, plus strand): 5'-ATTTCTCAATGCTTTGCAGATCCACACTGTAAAATGCACATTCAAAGTCTGGAGATAAAC[A>G]TACCGGCGAGCCCTTGGGGCCAGGAAGACCCGGATGGCCATCTCTTCCAGGAGAACCCGC-3'